The following is an entry in ClinVar:

NM_017909.4(RMND1):c.1200+38G>A

Gene: RMND1 (required for meiotic nuclear division 1 homolog; minus strand). Cytogenetic location: 6q25.1.
Variant type: single nucleotide variant.
Coding change: c.1200+38G>A on transcript NM_017909.4 (MANE Select); 38 bases into the intron after coding-DNA position 1200, G replaced by A.
Molecular consequence: intron variant.
Genome position (GRCh38, 1-based): chr6:151,417,241, C>T on the plus strand (G>A on the coding strand, the complement: RMND1 is on the minus strand). VCF-style: chr6-151417241-C-T. GRCh37 (hg19) VCF-style: chr6-151738376-C-T.
Other names: c.690+38G>A (NM_001271937.2).
Identifiers: ClinVar variation 671673 (VCV000671673.1), dbSNP rs60573826, ClinGen allele CA4050774.

ClinVar aggregate classification (germline): Benign (1 of 4 stars; one submission).

Allele frequency attached by ClinVar (database versions not stated): gnomAD 0.08322 and 0.08894; 1000 Genomes Project 0.08826; 1000 Genomes Project 30x 0.09166; TOPMed 0.09344; ESP Exome Variant Server 0.09634.
gnomAD v4.1: 33,097 of 1,575,906 alleles (2.1%); highest among the groups gnomAD compares: African/African-American, 27%; 2,856 homozygotes.

Submission:

GeneDx
Classification: Benign. Last evaluated: 2018-06-19. Review status: criteria provided, single submitter. Criteria: GeneDx Variant Classification (06012015). Collection method: clinical testing. Allele origin: germline. Affected: yes.
Comment: This variant is considered likely benign or benign based on one or more of the following criteria: it is a conservative change, it occurs at a poorly conserved position in the protein, it is predicted to be benign by multiple in silico algorithms, and/or has population frequency not consistent with disease.